The following is an entry in ClinVar:

ClinVar aggregate classification (germline): Pathogenic. Review status: criteria provided, multiple submitters, no conflicts (2 of 4 stars). 3 submissions from 3 submitters: Pathogenic (3). Last evaluated 2024-01-18.

Conditions:
Hereditary cancer-predisposing syndrome. Also called: Tumor predisposition; Hereditary neoplastic syndrome; Neoplastic Syndromes, Hereditary; Hereditary Cancer Syndrome. Identifiers: Orphanet 140162, MedGen C0027672, MeSH D009386, MONDO:0015356.
Familial cancer of breast. Also called: BREAST CANCER, FAMILIAL; Hereditary breast cancer; hereditary breast carcinoma. Identifiers: Orphanet 227535, MedGen C0346153, MONDO:0016419, OMIM 114480. Disease mechanism: loss of function.
Ataxia-telangiectasia syndrome (AT). Also called: Cerebello-oculocutaneous telangiectasia; Immunodeficiency with ataxia telangiectasia; LOUIS-BAR SYNDROME; ATAXIA-TELANGIECTASIA, COMPLEMENTATION GROUP A; ATAXIA-TELANGIECTASIA, FRESNO VARIANT; Ataxia-telangiectasia, complementation group D. Identifiers: Orphanet 100, MedGen C0004135, MONDO:0008840, OMIM 208900.

Submissions (3):

Myriad Genetics, Inc.
Classification: Pathogenic for Familial cancer of breast. Last evaluated: 2024-01-18. Review status: criteria provided, single submitter. Criteria: Myriad Autosomal Dominant, Autosomal Recessive and X-Linked Classification Criteria (2023). Collection method: clinical testing. Allele origin: unknown.
Comment: This variant is considered pathogenic. This variant creates a frameshift predicted to result in premature protein truncation.

Labcorp Genetics (formerly Invitae), Labcorp
Classification: Pathogenic for Ataxia-telangiectasia syndrome. Last evaluated: 2023-05-08. Review status: criteria provided, single submitter. Criteria: Invitae Variant Classification Sherloc (09022015). Collection method: clinical testing. Allele origin: germline.
Comment: For these reasons, this variant has been classified as Pathogenic. ClinVar contains an entry for this variant (Variation ID: 1383265). This variant has not been reported in the literature in individuals affected with ATM-related conditions. This variant is not present in population databases (gnomAD no frequency). This sequence change creates a premature translational stop signal (p.Arg1012Lysfs*36) in the ATM gene. It is expected to result in an absent or disrupted protein product. Loss-of-function variants in ATM are known to be pathogenic (PMID: 23807571, 25614872).

Ambry Genetics
Classification: Pathogenic for Hereditary cancer-predisposing syndrome. Last evaluated: 2021-03-15. Review status: criteria provided, single submitter. Criteria: Ambry Variant Classification Scheme 2023. Collection method: clinical testing. Allele origin: germline.
Comment: The c.3034dupA pathogenic mutation, located in coding exon 19 of the ATM gene, results from a duplication of A at nucleotide position 3034, causing a translational frameshift with a predicted alternate stop codon (p.R1012Kfs*36). This alteration is expected to result in loss of function by premature protein truncation or nonsense-mediated mRNA decay. As such, this alteration is interpreted as a disease-causing mutation.

Literature cited by the submitters: PubMed 23807571 (cited by Labcorp Genetics (formerly Invitae), Labcorp); PubMed 25614872 (cited by Labcorp Genetics (formerly Invitae), Labcorp).

NM_000051.4(ATM):c.3034dup (p.Arg1012fs)

Gene: ATM (ATM serine/threonine kinase; plus strand). Cytogenetic location: 11q22.3.
Variant type: Duplication.
Coding change: c.3034dup on transcript NM_000051.4 (MANE Select); coding-DNA position 3034, one base duplicated (A; older notation c.3034dupA).
Protein change: p.Arg1012fs; shifts the reading frame from arginine 1012.
Molecular consequence: frameshift variant.
Genome position (GRCh38, 1-based): chr11:108,271,363, A duplicated; the last of 2 consecutive A bases (chr11:108,271,362-108,271,363); duplicating either gives the same sequence. VCF-style (leftmost placement, unchanged base first): chr11-108271361-C-CA. GRCh37 (hg19) VCF-style: chr11-108142088-C-CA.
Other names: c.3034dup, p.Arg1012fs (NM_001351834.2); short protein forms R1012fs.
Identifiers: ClinVar variation 1383265 (VCV001383265.8), dbSNP rs2135554107, ClinGen allele CA2573146597.